The following is an entry in ClinVar:

NM_001267550.2(TTN):c.76113A>G (p.Glu25371=)

Genes: TTN (titin; minus strand), TTN-AS1 (TTN antisense RNA 1; plus strand). Cytogenetic location: 2q31.2.
Variant type: single nucleotide variant.
Coding change: c.76113A>G on transcript NM_001267550.2 (MANE Select); coding-DNA position 76113, A replaced by G.
Protein change: p.Glu25371=; no amino-acid change (glutamic acid 25371 retained).
Molecular consequence: synonymous variant.
Genome position (GRCh38, 1-based): chr2:178,570,019, T>C on the plus strand (A>G on the coding strand, the complement: TTN is on the minus strand). VCF-style: chr2-178570019-T-C. GRCh37 (hg19) VCF-style: chr2-179434746-T-C.
Other names: p.E23730E:GAA>GAG; p.Glu22803=; c.71190A>G, p.Glu23730= (NM_001256850.1); c.48918A>G, p.Glu16306= (NM_003319.4); c.68409A>G, p.Glu22803= (NM_133378.4); c.49293A>G, p.Glu16431= (NM_133432.3); c.49494A>G, p.Glu16498= (NM_133437.4).
Identifiers: ClinVar variation 47343 (VCV000047343.37), dbSNP rs140350441, ClinGen allele CA283771.
Genomic context (GRCh38, chr2:178,570,019, plus strand): 5'-GCTTGGTTCACTAAGTCCAGCAGCATTCTCAGCAGAAACTCTGAACTCATAATCGTGATT[T>C]TCTATGAGTCCAGTTACTCTCAGGCGCAACTCTCCAATCAGACGCTTATGGCATCTTGTC-3'
Protein context (NP_001254479.2, residues 25361-25381): ELRLRVTGLI[Glu25371=]NHDYEFRVSA

ClinVar aggregate classification (germline): Conflicting classifications of pathogenicity. Review status: criteria provided, conflicting classifications (1 of 4 stars). 20 submissions from 16 submitters: Uncertain significance (3); Benign (11); Likely benign (4). 2 of the submissions do not count toward it. Last evaluated 2026-02-04.

Conditions:
Cardiovascular phenotype. Identifiers: MedGen CN230736.
Dilated cardiomyopathy 1G (CMD1G). Identifiers: Orphanet 154, MedGen C1858763, MONDO:0011400, OMIM 604145.
Autosomal recessive limb-girdle muscular dystrophy type 2J (LGMDR10). Also called: MUSCULAR DYSTROPHY, LIMB-GIRDLE, AUTOSOMAL RECESSIVE 10; Limb-girdle muscular dystrophy, type 2J. Identifiers: Orphanet 140922, MedGen C1837342, MONDO:0012127, OMIM 608807.
Cardiomyopathy (CMYO). Also called: Cardiomyopathies. Identifiers: Orphanet 167848, MedGen C0878544, MONDO:0004994, HP:0001638. Inheritance: Various modes of inheritance.
Early-onset myopathy with fatal cardiomyopathy (CMYO5). Also called: CONGENITAL MYOPATHY 5 WITH CARDIOMYOPATHY; Salih Myopathy. Identifiers: Orphanet 289377, MedGen C2673677, MONDO:0012714, OMIM 611705. Disease mechanism: loss of function.
Tibial muscular dystrophy (TMD). Also called: Udd Distal Myopathy – Tibial Muscular Dystrophy; Tibial muscular dystrophy, tardive; UDD MYOPATHY. Identifiers: Orphanet 609, MedGen C1838244, MONDO:0010870, OMIM 600334.
Myopathy, myofibrillar, 9, with early respiratory failure (MFM9). Also called: Myopathy, distal, with early respiratory failure, autosomal dominant; Hereditary myopathy with early respiratory failure; MYOPATHY, PROXIMAL, WITH EARLY RESPIRATORY MUSCLE INVOLVEMENT; EDSTROM MYOPATHY. Identifiers: Orphanet 178464, Orphanet 34521, MedGen C1863599, MONDO:0011362, OMIM 603689.

Allele frequency attached by ClinVar (database versions not stated): 1000 Genomes Project 0.00220; gnomAD 0.00243 and 0.00265; ESP Exome Variant Server 0.00190; TOPMed 0.00274; gnomAD exomes 0.00021 and 0.00050; ExAC 0.00061; 1000 Genomes Project 30x 0.00219.
gnomAD v4.1: 700 of 1,613,192 alleles (0.043%); highest among the groups gnomAD compares: African/African-American, 0.78%; 3 homozygotes.

Submissions (20):

Labcorp Genetics (formerly Invitae), Labcorp
Classification: Benign for Dilated cardiomyopathy 1G; Autosomal recessive limb-girdle muscular dystrophy type 2J. Last evaluated: 2026-02-04. Review status: criteria provided, single submitter. Criteria: Invitae Variant Classification Sherloc (09022015). Collection method: clinical testing. Allele origin: germline.

Molecular Diagnostic Laboratory for Inherited Cardiovascular Disease, Montreal Heart Institute
Classification: Benign. Last evaluated: 2025-04-09. Review status: criteria provided, single submitter. Criteria: ACMG Guidelines, 2015. Collection method: clinical testing. Allele origin: germline. Affected: no.

Blueprint Genetics
Classification: Likely benign. Last evaluated: 2024-11-25. Review status: criteria provided, single submitter. Criteria: ACMG Guidelines, 2015. Collection method: clinical testing. Allele origin: germline.

Mayo Clinic Laboratories, Mayo Clinic
Classification: Likely benign. Last evaluated: 2024-10-04. Review status: criteria provided, single submitter. Criteria: ACMG Guidelines, 2015. Collection method: clinical testing. Allele origin: germline. Observed: 6 variant alleles.
Comment: BS1, BP4, BP7

Athena Diagnostics
Classification: Benign. Last evaluated: 2024-04-12. Review status: criteria provided, single submitter. Criteria: Athena Diagnostics Criteria. Collection method: clinical testing. Allele origin: unknown.

ARUP Laboratories, Molecular Genetics and Genomics, ARUP Laboratories
Classification: Benign. Last evaluated: 2023-10-16. Review status: criteria provided, single submitter. Criteria: ARUP Molecular Germline Variant Investigation Process 2024. Collection method: clinical testing. Allele origin: germline.

Women's Health and Genetics/Laboratory Corporation of America, LabCorp
Classification: Benign. Last evaluated: 2022-06-16. Review status: criteria provided, single submitter. Criteria: LabCorp Variant Classification Summary - May 2015. Collection method: clinical testing. Allele origin: germline.
Comment: Variant summary: TTN c.68409A>G alters a conserved nucleotide resulting in a synonymous change. 4/4 computational tools predict no significant impact on normal splicing. However, these predictions have yet to be confirmed by functional studies. The variant allele was found at a frequency of 0.0005 in 247710 control chromosomes, predominantly at a frequency of 0.0069 within the African or African-American subpopulation in the gnomAD database, including 1 homozygotes. The observed variant frequency within African or African-American control individuals in the gnomAD database is approximately 18 fold of the estimated maximal expected allele frequency for a pathogenic variant in TTN causing Dilated Cardiomyopathy phenotype (0.00039), strongly suggesting that the variant is a benign polymorphism found primarily in populations of African or African-American origin. Seven clinical diagnostic laboratories have submitted clinical-significance assessments for this variant to ClinVar after 2014 without evidence for independent evaluation (benign/likely benign n=6, VUS n=1). Based on the evidence outlined above, the variant was classified as benign.

Illumina Laboratory Services, Illumina
Classification: Uncertain significance for Dilated cardiomyopathy 1G. Last evaluated: 2018-01-12. Review status: criteria provided, single submitter. Criteria: ICSL Variant Classification Criteria 13 December 2019. Collection method: clinical testing. Allele origin: germline.

Illumina Laboratory Services, Illumina
Classification: Uncertain significance for Autosomal recessive limb-girdle muscular dystrophy type 2J. Last evaluated: 2018-01-12. Review status: criteria provided, single submitter. Criteria: ICSL Variant Classification Criteria 13 December 2019. Collection method: clinical testing. Allele origin: germline.

Illumina Laboratory Services, Illumina
Classification: Uncertain significance for Early-onset myopathy with fatal cardiomyopathy. Last evaluated: 2018-01-12. Review status: criteria provided, single submitter. Criteria: ICSL Variant Classification Criteria 13 December 2019. Collection method: clinical testing. Allele origin: germline.

Illumina Laboratory Services, Illumina
Classification: Benign for Myopathy, myofibrillar, 9, with early respiratory failure. Last evaluated: 2018-01-12. Review status: criteria provided, single submitter. Criteria: ICSL Variant Classification Criteria 13 December 2019. Collection method: clinical testing. Allele origin: germline.
Comment: This variant was observed in the ICSL laboratory as part of a predisposition screen in an ostensibly healthy population. It had not been previously curated by ICSL or reported in the Human Gene Mutation Database (HGMD: prior to June 1st, 2018), and was therefore a candidate for classification through an automated scoring system. Utilizing variant allele frequency, disease prevalence and penetrance estimates, and inheritance mode, an automated score was calculated to assess if this variant is too frequent to cause the disease. Based on the score and internal cut-off values, a variant classified as benign is not then subjected to further curation. The score for this variant resulted in a classification of benign for this disease.

Illumina Laboratory Services, Illumina
Classification: Benign for Tibial muscular dystrophy. Last evaluated: 2018-01-12. Review status: criteria provided, single submitter. Criteria: ICSL Variant Classification Criteria 13 December 2019. Collection method: clinical testing. Allele origin: germline.
Comment: the same text as in the submission from Illumina Laboratory Services, Illumina above.

Ambry Genetics
Classification: Likely benign for Cardiovascular phenotype. Last evaluated: 2017-12-16. Review status: criteria provided, single submitter. Criteria: Ambry Variant Classification Scheme 2023. Collection method: clinical testing. Allele origin: germline.

CHEO Genetics Diagnostic Laboratory, Children's Hospital of Eastern Ontario
Classification: Likely benign for Cardiomyopathy. Last evaluated: 2016-01-15. Review status: criteria provided, single submitter. Criteria: ACMG Guidelines, 2015. Collection method: clinical testing. Allele origin: germline. Study: Canadian Open Genetics Repository.

Eurofins Ntd Llc (ga)
Classification: Benign. Last evaluated: 2015-10-20. Review status: criteria provided, single submitter. Criteria: EGL Classification Definitions 2015. Collection method: clinical testing. Allele origin: germline. Observed: 1 variant allele, 1 heterozygote.

GeneDx
Classification: Benign. Last evaluated: 2014-07-08. Review status: criteria provided, single submitter. Criteria: GeneDx Variant Classification (06012015). Collection method: clinical testing. Allele origin: germline. Affected: yes.
Comment: This variant is considered likely benign or benign based on one or more of the following criteria: it is a conservative change, it occurs at a poorly conserved position in the protein, it is predicted to be benign by multiple in silico algorithms, and/or has population frequency not consistent with disease.

Laboratory for Molecular Medicine, Mass General Brigham Personalized Medicine
Classification: Benign. Last evaluated: 2012-04-03. Review status: criteria provided, single submitter. Criteria: LMM Criteria. Collection method: clinical testing. Allele origin: germline. Observed: 7 variant alleles.
Comment: Glu22803Glu in exon 275 of TTN: This variant is not expected to have clinical si gnificance because it does not alter an amino acid residue, is not located withi n the splice consensus sequence, and it has been identified in 0.5% (15/3178) of African American chromosomes from a broad population by the NHLBI Exome Sequenc ing Project (dbSNP rs140350441)

PreventionGenetics, part of Exact Sciences
Classification: Benign. Review status: criteria provided, single submitter. Criteria: ACMG Guidelines, 2015. Collection method: clinical testing. Allele origin: germline.

Clinical Genetics DNA and cytogenetics Diagnostics Lab, Erasmus MC, Erasmus Medical Center
Classification: Likely benign. Review status: no assertion criteria provided. Collection method: clinical testing. Allele origin: germline. Affected: yes. Study: VKGL Data-share Consensus. Not counted in ClinVar's aggregate classification.

Clinical Genetics, Academic Medical Center
Classification: Benign. Review status: no assertion criteria provided. Collection method: clinical testing. Allele origin: germline. Affected: yes. Study: VKGL Data-share Consensus. Not counted in ClinVar's aggregate classification.